The following is an entry in ClinVar:

ClinVar aggregate classification (germline): Uncertain significance (1 of 4 stars; one submission).

Submission:

Labcorp Genetics (formerly Invitae), Labcorp
Classification: Uncertain significance. Last evaluated: 2022-04-13. Review status: criteria provided, single submitter. Criteria: Invitae Variant Classification Sherloc (09022015). Collection method: clinical testing. Allele origin: germline.
Comment: Algorithms developed to predict the effect of missense changes on protein structure and function output the following: SIFT: "Tolerated"; PolyPhen-2: "Benign"; Align-GVGD: "Class C0". The glycine amino acid residue is found in multiple mammalian species, which suggests that this missense change does not adversely affect protein function. This variant has not been reported in the literature in individuals affected with GEN1-related conditions. This variant is not present in population databases (gnomAD no frequency). This sequence change replaces serine, which is neutral and polar, with glycine, which is neutral and non-polar, at codon 842 of the GEN1 protein (p.Ser842Gly). In summary, the available evidence is currently insufficient to determine the role of this variant in disease. Therefore, it has been classified as a Variant of Uncertain Significance.

NM_001130009.3(GEN1):c.2524A>G (p.Ser842Gly)

Gene: GEN1 (GEN1 structure-specific endonuclease; plus strand). Cytogenetic location: 2p24.2.
Variant type: single nucleotide variant.
Coding change: c.2524A>G on transcript NM_001130009.3 (MANE Select); coding-DNA position 2524, A replaced by G.
Protein change: p.Ser842Gly; replaces serine 842 with glycine.
Molecular consequence: missense variant.
Genome position (GRCh38, 1-based): chr2:17,781,736, A>G. VCF-style: chr2-17781736-A-G. GRCh37 (hg19) VCF-style: chr2-17963003-A-G.
Other names: c.2524A>G, p.Ser842Gly (NM_182625.5); short protein forms S842G.
Identifiers: ClinVar variation 2413860 (VCV002413860.6), dbSNP rs2545634198, ClinGen allele CA345928246.